The following is an entry in ClinVar:

ClinVar aggregate classification (germline): Uncertain significance. Review status: criteria provided, multiple submitters, no conflicts (2 of 4 stars). 4 submissions from 4 submitters: Uncertain significance (4). Last evaluated 2024-11-11.

Conditions:
Glycogen storage disease type III (GSD3). Also called: Cori disease; FORBES DISEASE. Identifiers: Orphanet 366, MedGen C0017922, MONDO:0009291, OMIM 232400.

Submissions (4):

Women's Health and Genetics/Laboratory Corporation of America, LabCorp
Classification: Uncertain significance. Last evaluated: 2024-11-11. Review status: criteria provided, single submitter. Criteria: LabCorp Variant Classification Summary - May 2015. Collection method: clinical testing. Allele origin: germline.

Labcorp Genetics (formerly Invitae), Labcorp
Classification: Uncertain significance for Glycogen storage disease type III. Last evaluated: 2024-10-17. Review status: criteria provided, single submitter. Criteria: Invitae Variant Classification Sherloc (09022015). Collection method: clinical testing. Allele origin: germline.
Comment: This sequence change falls in intron 9 of the AGL gene. It does not directly change the encoded amino acid sequence of the AGL protein. It affects a nucleotide within the consensus splice site. This variant is not present in population databases (gnomAD no frequency). This variant has been observed in individual(s) with glycogen storage disease III (internal data). ClinVar contains an entry for this variant (Variation ID: 936928). Variants that disrupt the consensus splice site are a relatively common cause of aberrant splicing (PMID: 17576681, 9536098). Algorithms developed to predict the effect of sequence changes on RNA splicing suggest that this variant may disrupt the consensus splice site. In summary, the available evidence is currently insufficient to determine the role of this variant in disease. Therefore, it has been classified as a Variant of Uncertain Significance.

Genomic Medicine Center of Excellence, King Faisal Specialist Hospital and Research Centre
Classification: Uncertain significance for Glycogen storage disease type III. Last evaluated: 2024-03-17. Review status: criteria provided, single submitter. Criteria: ACMG Guidelines, 2015. Collection method: research. Allele origin: germline.

Blueprint Genetics
Classification: Uncertain significance. Last evaluated: 2020-03-19. Review status: criteria provided, single submitter. Criteria: ACMG Guidelines, 2015. Collection method: clinical testing. Allele origin: germline.

Literature cited by the submitters: PubMed 17576681 (cited by Labcorp Genetics (formerly Invitae), Labcorp); PubMed 9536098 (cited by Labcorp Genetics (formerly Invitae), Labcorp).

NM_000642.3(AGL):c.1186-3C>G

Gene: AGL (amylo-alpha-1,6-glucosidase and 4-alpha-glucanotransferase; plus strand). Cytogenetic location: 1p21.2.
Variant type: single nucleotide variant.
Coding change: c.1186-3C>G on transcript NM_000642.3 (MANE Select); 3 bases into the intron before coding-DNA position 1186, C replaced by G.
Molecular consequence: intron variant.
Genome position (GRCh38, 1-based): chr1:99,875,355, C>G. VCF-style: chr1-99875355-C-G. GRCh37 (hg19) VCF-style: chr1-100340911-C-G.
Other names: c.1186-3C>G (NM_000643.3, NM_000644.3, NM_001425326.1 and 2 more transcripts); c.1138-3C>G (NM_000646.3); c.1082+545C>G (NM_001425327.1); c.982-3C>G (NM_001425328.1, NM_001425329.1); c.808-3C>G (NM_001425332.1).
Identifiers: ClinVar variation 936928 (VCV000936928.13), dbSNP rs1651432625, ClinGen allele CA1139656241.